The following is an entry in ClinVar:

NM_020207.7(ERCC6L2):c.1289_1299+9del

Gene: ERCC6L2 (ERCC excision repair 6 like 2; plus strand). Cytogenetic location: 9q22.32.
Variant type: Deletion.
Coding change: c.1289_1299+9del on transcript NM_020207.7 (MANE Select); coding-DNA position 1289 through 9 bases into the intron after coding-DNA position 1299, 20 bases deleted (GTTGTTATAAGGCAAGCATT).
Molecular consequence: splice donor variant.
Genome position (GRCh38, 1-based): chr9:95,921,305-95,921,324, GTTGTTATAAGGCAAGCATT deleted; deleting any 20 consecutive bases within chr9:95,921,302-95,921,324 gives the same sequence; the c. name uses the placement nearest the transcript's 3' end. VCF-style (leftmost placement, unchanged base first): chr9-95921301-AATTGTTGTTATAAGGCAAGC-A. GRCh37 (hg19) VCF-style: chr9-98683583-AATTGTTGTTATAAGGCAAGC-A.
Other names: c.1289_1299+9del (NM_001375291.1, NM_001375292.1, NM_001375294.1 and 2 more transcripts).
Identifiers: ClinVar variation 2839017 (VCV002839017.3), dbSNP rs1829859149, ClinGen allele CA1865851686.

ClinVar aggregate classification (germline): Likely pathogenic (1 of 4 stars; one submission).

Submission:

Labcorp Genetics (formerly Invitae), Labcorp
Classification: Likely pathogenic. Last evaluated: 2023-08-17. Review status: criteria provided, single submitter. Criteria: Invitae Variant Classification Sherloc (09022015). Collection method: clinical testing. Allele origin: germline.
Comment: In summary, the currently available evidence indicates that the variant is pathogenic, but additional data are needed to prove that conclusively. Therefore, this variant has been classified as Likely Pathogenic. This variant results in the deletion of part of exon 7 (c.1322_1332+9del) of the ERCC6L2 gene. It is expected to disrupt RNA splicing. Variants that disrupt the donor or acceptor splice site typically lead to a loss of protein function (PMID: 16199547), and loss-of-function variants in ERCC6L2 are known to be pathogenic (PMID: 24507776, 27185855, 29146883, 29987015). This variant is not present in population databases (gnomAD no frequency). This variant has not been reported in the literature in individuals affected with ERCC6L2-related conditions. Algorithms developed to predict the effect of sequence changes on RNA splicing suggest that this variant may disrupt the consensus splice site.

Literature cited by the submitters: PubMed 16199547; PubMed 24507776; PubMed 27185855; PubMed 29146883; PubMed 29987015.